The following is an entry in ClinVar:

NM_004304.5(ALK):c.602A>G (p.Glu201Gly)

Gene: ALK (ALK receptor tyrosine kinase; minus strand). Cytogenetic location: 2p23.1.
Variant type: single nucleotide variant.
Coding change: c.602A>G on transcript NM_004304.5 (MANE Select); coding-DNA position 602, A replaced by G.
Protein change: p.Glu201Gly; replaces glutamic acid 201 with glycine.
Molecular consequence: missense variant.
Genome position (GRCh38, 1-based): chr2:29,920,058, T>C on the plus strand (A>G on the coding strand, the complement: ALK is on the minus strand). VCF-style: chr2-29920058-T-C. GRCh37 (hg19) VCF-style: chr2-30142924-T-C.
Other names: short protein forms E201G.
Identifiers: ClinVar variation 4272632 (VCV004272632.1).
Genomic context (GRCh38, chr2:29,920,058, plus strand): 5'-CCGAAGATCTGGAAGAGAAGGCGGGGCTGGGAGGCGCGAATTGCCGCGGACAGCCTTCCC[T>C]CTCTGCCCACTTCCGACGCCTTCTTCTCGGGCATCAGGCGGATCCTCAGTCGCCCTTCGC-3'
Protein context (NP_004295.2, residues 191-211): PEKKASEVGR[Glu201Gly]GRLSAAIRAS

ClinVar aggregate classification (germline): Uncertain significance (1 of 4 stars; one submission).

Conditions:
Hereditary cancer-predisposing syndrome. Also called: Hereditary Cancer Syndrome; Hereditary neoplastic syndrome; Neoplastic Syndromes, Hereditary; Tumor predisposition. Identifiers: Orphanet 140162, MedGen C0027672, MeSH D009386, MONDO:0015356.

gnomAD v4.1: 1 of 1,614,174 alleles (0.000062%); highest among the groups gnomAD compares: Non-Finnish European, 0.000085%; no homozygotes.

Submission:

Ambry Genetics
Classification: Uncertain significance for Hereditary cancer-predisposing syndrome. Last evaluated: 2025-07-25. Review status: criteria provided, single submitter. Criteria: Ambry Variant Classification Scheme 2023. Collection method: clinical testing. Allele origin: germline.
Comment: The p.E201G variant (also known as c.602A>G), located in coding exon 1 of the ALK gene, results from an A to G substitution at nucleotide position 602. The glutamic acid at codon 201 is replaced by glycine, an amino acid with similar properties. This amino acid position is conserved. In addition, the in silico prediction for this alteration is inconclusive. Based on the available evidence, the clinical significance of this variant remains unclear.